The following is an entry in ClinVar:

NM_022765.4(MICAL1):c.1549T>C (p.Trp517Arg)

Gene: MICAL1 (microtubule associated monooxygenase, calponin and LIM domain containing 1; minus strand). Cytogenetic location: 6q21.
Variant type: single nucleotide variant.
Coding change: c.1549T>C on transcript NM_022765.4 (MANE Select); coding-DNA position 1549, T replaced by C.
Protein change: p.Trp517Arg; replaces tryptophan 517 with arginine.
Molecular consequence: missense variant.
Genome position (GRCh38, 1-based): chr6:109,448,847, A>G on the plus strand (T>C on the coding strand, the complement: MICAL1 is on the minus strand). VCF-style: chr6-109448847-A-G. GRCh37 (hg19) VCF-style: chr6-109770050-A-G.
Other names: c.1291T>C, p.Trp431Arg (NM_001159291.2); c.1606T>C, p.Trp536Arg (NM_001286613.2); short protein forms W431R, W517R, W536R.
Identifiers: ClinVar variation 1959668 (VCV001959668.6), dbSNP rs1168662730, ClinGen allele CA365229439.
Genomic context (GRCh38, chr6:109,448,847, plus strand): 5'-AGGAGGAAGACAAATCGGAGACGTGGACTCCCGGGTACCCAGCTGTCTGCTCCTGGCACC[A>G]GCGTAGCAGCTCCTCCTGGGTGCCTGCCGACCCTGGGAAAGAAGGCTGTGCTGTGCCCAA-3'
Protein context (NP_073602.3, residues 507-527): SAGTQEELLR[Trp517Arg]CQEQTAGYPG

ClinVar aggregate classification (germline): Uncertain significance. Review status: criteria provided, multiple submitters, no conflicts (2 of 4 stars). 2 submissions from 2 submitters: Uncertain significance (2). Last evaluated 2022-09-14.

Allele frequency attached by ClinVar (database versions not stated): gnomAD 0.00001; TOPMed 0.00001.

Submissions (2):

Ambry Genetics
Classification: Uncertain significance. Last evaluated: 2022-09-14. Review status: criteria provided, single submitter. Criteria: Ambry Variant Classification Scheme 2023. Collection method: clinical testing. Allele origin: germline.

Labcorp Genetics (formerly Invitae), Labcorp
Classification: Uncertain significance. Last evaluated: 2021-12-24. Review status: criteria provided, single submitter. Criteria: Invitae Variant Classification Sherloc (09022015). Collection method: clinical testing. Allele origin: germline.
Comment: This sequence change replaces tryptophan, which is neutral and slightly polar, with arginine, which is basic and polar, at codon 536 of the MICAL1 protein (p.Trp536Arg). In summary, the available evidence is currently insufficient to determine the role of this variant in disease. Therefore, it has been classified as a Variant of Uncertain Significance. Algorithms developed to predict the effect of missense changes on protein structure and function are either unavailable or do not agree on the potential impact of this missense change (SIFT: "Deleterious"; PolyPhen-2: "Probably Damaging"; Align-GVGD: "Class C0"). This variant has not been reported in the literature in individuals affected with MICAL1-related conditions. This variant is not present in population databases (gnomAD no frequency).